The following is an entry in ClinVar:

NM_000642.3(AGL):c.2677G>C (p.Ala893Pro)

Gene: AGL (amylo-alpha-1,6-glucosidase and 4-alpha-glucanotransferase; plus strand). Cytogenetic location: 1p21.2.
Variant type: single nucleotide variant.
Coding change: c.2677G>C on transcript NM_000642.3 (MANE Select); coding-DNA position 2677, G replaced by C.
Protein change: p.Ala893Pro; replaces alanine 893 with proline.
Molecular consequence: missense variant.
Genome position (GRCh38, 1-based): chr1:99,884,699, G>C. VCF-style: chr1-99884699-G-C. GRCh37 (hg19) VCF-style: chr1-100350255-G-C.
Other names: c.2677G>C, p.Ala893Pro (NM_000643.3, NM_000644.3, NM_001425325.1 and 2 more transcripts); c.2629G>C, p.Ala877Pro (NM_000646.3); c.2476G>C, p.Ala826Pro (NM_001425327.1); c.2473G>C, p.Ala825Pro (NM_001425328.1); c.2299G>C, p.Ala767Pro (NM_001425332.1); short protein forms A877P, A893P, A767P, A825P, A826P.
Identifiers: ClinVar variation 1001469 (VCV001001469.9), dbSNP rs1652316880, ClinGen allele CA341322155.
Genomic context (GRCh38, chr1:99,884,699, plus strand): 5'-CACTTTAAATCTGGCAGCCTAGCTGTTGACAATGCAGATCCTATATTAAAAATTCCTTTT[G>C]CTTCGTAAGTATGCCTTGTTTGGTAGAGATTTGCCACCTTAATAAGTAAGTTACCACTAG-3'
Protein context (NP_000633.2, residues 883-903): NADPILKIPF[Ala893Pro]SLASRLTLAE

ClinVar aggregate classification (germline): Uncertain significance (1 of 4 stars; one submission).

Conditions:
Glycogen storage disease type III (GSD3). Also called: Cori disease; FORBES DISEASE. Identifiers: Orphanet 366, MedGen C0017922, MONDO:0009291, OMIM 232400.

Submission:

Labcorp Genetics (formerly Invitae), Labcorp
Classification: Uncertain significance for Glycogen storage disease type III. Last evaluated: 2020-03-05. Review status: criteria provided, single submitter. Criteria: Invitae Variant Classification Sherloc (09022015). Collection method: clinical testing. Allele origin: germline.
Comment: In summary, the available evidence is currently insufficient to determine the role of this variant in disease. Therefore, it has been classified as a Variant of Uncertain Significance. Algorithms developed to predict the effect of missense changes on protein structure and function (SIFT, PolyPhen-2, Align-GVGD) all suggest that this variant is likely to be tolerated, but these predictions have not been confirmed by published functional studies and their clinical significance is uncertain. This variant has not been reported in the literature in individuals with AGL-related conditions. This variant is not present in population databases (ExAC no frequency). This sequence change replaces alanine with proline at codon 893 of the AGL protein (p.Ala893Pro). The alanine residue is weakly conserved and there is a small physicochemical difference between alanine and proline.